The following is an entry in ClinVar:

ClinVar aggregate classification (germline): Uncertain significance. Review status: criteria provided, multiple submitters, no conflicts (2 of 4 stars). 2 submissions from 2 submitters: Uncertain significance (2). Last evaluated 2023-01-05.

Conditions:
Angelman syndrome (AS). Also called: HAPPY PUPPET SYNDROME. Identifiers: Orphanet 72, MedGen C0162635, MONDO:0007113, OMIM 105830. Disease mechanism: loss of function. Inheritance: AS is caused by disruption of maternally imprinted UBE3A located within the 15q11.2-q13 Angelman syndrome/Prader-Willi syndrome (AS/PWS) region., imprinting disorder.

Allele frequency attached by ClinVar (database versions not stated): gnomAD exomes below 0.00001.

Submissions (2):

GeneDx
Classification: Uncertain significance. Last evaluated: 2023-01-05. Review status: criteria provided, single submitter. Criteria: GeneDx Variant Classification Process June 2021. Collection method: clinical testing. Allele origin: germline. Affected: yes.
Comment: Not observed at significant frequency in large population cohorts (gnomAD); In silico analysis supports that this missense variant does not alter protein structure/function; Has not been previously published as pathogenic or benign to our knowledge

Labcorp Genetics (formerly Invitae), Labcorp
Classification: Uncertain significance for Angelman syndrome. Last evaluated: 2021-10-11. Review status: criteria provided, single submitter. Criteria: Invitae Variant Classification Sherloc (09022015). Collection method: clinical testing. Allele origin: germline.
Comment: This sequence change replaces histidine with tyrosine at codon 63 of the UBE3A protein (p.His63Tyr). The histidine residue is moderately conserved and there is a moderate physicochemical difference between histidine and tyrosine. This variant is not present in population databases (ExAC no frequency). This variant has not been reported in the literature in individuals affected with UBE3A-related conditions. Algorithms developed to predict the effect of missense changes on protein structure and function are either unavailable or do not agree on the potential impact of this missense change (SIFT: "Not Available"; PolyPhen-2: "Benign"; Align-GVGD: "Not Available"). In summary, the available evidence is currently insufficient to determine the role of this variant in disease. Therefore, it has been classified as a Variant of Uncertain Significance.

NM_130839.5(UBE3A):c.247C>T (p.His83Tyr)

Genes: SNHG14 (small nucleolar RNA host gene 14; plus strand), UBE3A (ubiquitin protein ligase E3A; minus strand). Cytogenetic location: 15q11.2.
Variant type: single nucleotide variant.
Coding change: c.247C>T on transcript NM_130839.5 (MANE Select); coding-DNA position 247, C replaced by T.
Protein change: p.His83Tyr; replaces histidine 83 with tyrosine.
Molecular consequence: missense variant. On other transcripts: non-coding transcript variant (1).
Genome position (GRCh38, 1-based): chr15:25,375,579, G>A on the plus strand (C>T on the coding strand, the complement: UBE3A is on the minus strand). VCF-style: chr15-25375579-G-A. GRCh37 (hg19) VCF-style: chr15-25620726-G-A.
Other names: c.187C>T, p.His63Tyr (NM_001354543.2, NM_001354544.2, NM_001354547.2 and 18 more transcripts); c.247C>T, p.His83Tyr (NM_001354545.2, NM_001354550.2, NM_001354505.1 and 1 more transcripts); c.70C>T, p.His24Tyr (NM_001354546.2); c.256C>T, p.His86Tyr (NM_000462.5); c.187C>T (NM_130838.1); short protein forms H63Y, H86Y, H24Y, H83Y.
Identifiers: ClinVar variation 1484306 (VCV001484306.6), dbSNP rs1452134414, ClinGen allele CA391356300.
Genomic context (GRCh38, chr15:25,375,579, plus strand): 5'-TGTTGGGGGCACCTTTCGAGTTCTCAAGGTAAGCTGAGCTTGCTCCTTTCTTGGAGGGAT[G>A]AGGATCACAGAGTTTTGCATTAATCTTATAAAGCTCGAGGGCTTTAATAGCTGCTGCATT-3'
Protein context (NP_570854.1, residues 73-93): YKINAKLCDP[His83Tyr]PSKKGASSAY